The following is an entry in ClinVar:

NM_000088.4(COL1A1):c.3893C>T (p.Thr1298Ile)

Gene: COL1A1 (collagen type I alpha 1 chain; minus strand). Cytogenetic location: 17q21.33.
Variant type: single nucleotide variant.
Coding change: c.3893C>T on transcript NM_000088.4 (MANE Select); coding-DNA position 3893, C replaced by T.
Protein change: p.Thr1298Ile; replaces threonine 1298 with isoleucine.
Molecular consequence: missense variant.
Genome position (GRCh38, 1-based): chr17:50,186,429, G>A on the plus strand (C>T on the coding strand, the complement: COL1A1 is on the minus strand). VCF-style: chr17-50186429-G-A. GRCh37 (hg19) VCF-style: chr17-48263790-G-A.
Other names: short protein forms T1298I.
Identifiers: ClinVar variation 3912057 (VCV003912057.1).

ClinVar aggregate classification (germline): Likely pathogenic (1 of 4 stars; one submission).

Conditions:
Osteogenesis imperfecta type III (OI3). Also called: Progressively Deforming Osteogenesis Imperfecta; Osteogenesis imperfecta type 3; OI type 3; Osteogenesis imperfecta, progressively deforming with normal sclerae; OI type III. Identifiers: Orphanet 216812, Orphanet 666, MedGen C0268362, MONDO:0009804, OMIM 259420.

gnomAD v4.1: 1 of 1,614,208 alleles (0.000062%); no homozygotes.

Submission:

Clinical Biomedical Laboratory, Shriners Hospital For Children - Canada
Classification: Likely pathogenic for Osteogenesis imperfecta type III. Last evaluated: 2025-06-18. Review status: criteria provided, single submitter. Criteria: ACMG Guidelines, 2015. Collection method: clinical testing. Allele origin: germline. Affected: yes.
Comment: This variant is predicted to substitute a threonine residue by an isoleucine residue in the C-propeptide of the alpha 1 chain of collagen type I. In the Genome Aggregation Database (gnomAD v2.1.1) this variant is not present. Computational tools (Revel 0.88) suggest that the amino acid change is damaging to protein function. Missense variants in the C-propeptide of the alpha 1 chain of collagen type I are a typical cause of osteogenesis imperfecta. The variant has been reported as a cause of osteogenesis imperfecta in the literature (PMID 27748872).

Literature cited by the submitters: PubMed 27748872.